The following is an entry in ClinVar:

NM_013266.4(CTNNA3):c.1648A>T (p.Ile550Phe)

Gene: CTNNA3 (catenin alpha 3; minus strand). Cytogenetic location: 10q21.3.
Variant type: single nucleotide variant.
Coding change: c.1648A>T on transcript NM_013266.4 (MANE Select); coding-DNA position 1648, A replaced by T.
Protein change: p.Ile550Phe; replaces isoleucine 550 with phenylalanine.
Molecular consequence: missense variant.
Genome position (GRCh38, 1-based): chr10:66,379,236, T>A on the plus strand (A>T on the coding strand, the complement: CTNNA3 is on the minus strand). VCF-style: chr10-66379236-T-A. GRCh37 (hg19) VCF-style: chr10-68138994-T-A.
Other names: c.1648A>T, p.Ile550Phe (NM_001127384.3); short protein forms I550F.
Identifiers: ClinVar variation 4008015 (VCV004008015.1).

ClinVar aggregate classification (germline): Uncertain significance (1 of 4 stars; one submission).

gnomAD v4.1: 2 of 1,614,168 alleles (0.00012%); highest among the groups gnomAD compares: Non-Finnish European, 0.00017%; no homozygotes.

Submission:

Ambry Genetics
Classification: Uncertain significance. Last evaluated: 2025-03-23. Review status: criteria provided, single submitter. Criteria: Ambry Variant Classification Scheme 2023. Collection method: clinical testing. Allele origin: germline.
Comment: The p.I550F variant (also known as c.1648A>T), located in coding exon 11 of the CTNNA3 gene, results from an A to T substitution at nucleotide position 1648. The isoleucine at codon 550 is replaced by phenylalanine, an amino acid with highly similar properties. This amino acid position is conserved. In addition, this alteration is predicted to be tolerated by in silico analysis. Based on the available evidence, the clinical significance of this variant remains unclear.